The following is an entry in ClinVar:

ClinVar aggregate classification (germline): Pathogenic/Likely pathogenic. Review status: criteria provided, multiple submitters, no conflicts (2 of 4 stars). 2 submissions from 2 submitters: Pathogenic (1); Likely pathogenic (1). Last evaluated 2021-11-23.

Conditions:
DKC1-Related Disorders. Identifiers: MedGen CN380080.
Dyskeratosis congenita. Identifiers: Orphanet 1775, MedGen C0265965, MONDO:0015780.

Submissions (2):

Ambry Genetics
Classification: Pathogenic for Dyskeratosis congenita. Last evaluated: 2021-11-23. Review status: criteria provided, single submitter. Criteria: Ambry Variant Classification Scheme 2023. Collection method: clinical testing. Allele origin: germline.
Comment: The p.N63K pathogenic mutation (also known as c.189T>G), located in coding exon 4 of the DKC1 gene, results from a T to G substitution at nucleotide position 189. The asparagine at codon 63 is replaced by lysine, an amino acid with similar properties. This mutation has been detected in multiple unrelated males with a clinical diagnosis or suspicion of dyskeratosis congenita (Dvorak LA et al. Hum. Pathol., 2015 Jan;46:147-52; Ambry internal data). This variant is considered to be rare based on population cohorts in the Genome Aggregation Database (gnomAD). This amino acid position is highly conserved in available vertebrate species. This missense alteration is located in a region that has a low rate of benign missense variation (Lek M et al. Nature. 2016 Aug 18;536(7616):285-91; DECIPHER: Database of Chromosomal Imbalance and Phenotype in Humans using Ensembl Resources. Firth H.V. et al. 2009. Am.J.Hum.Genet. 84, 524-533 (DOI)). Based on the supporting evidence, this alteration is interpreted as a disease-causing mutation.

Blueprint Genetics
Classification: Likely pathogenic for DKC1-related disorders. Last evaluated: 2020-03-24. Review status: criteria provided, single submitter. Criteria: ACMG Guidelines, 2015. Collection method: clinical testing. Allele origin: germline. Affected: yes. Observed: 1 variant allele.

Literature cited by the submitters: PubMed 25455995 (cited by Ambry Genetics).

NM_001363.5(DKC1):c.189T>G (p.Asn63Lys)

Gene: DKC1 (dyskerin pseudouridine synthase 1; plus strand). Cytogenetic location: Xq28.
Variant type: single nucleotide variant.
Coding change: c.189T>G on transcript NM_001363.5 (MANE Select); coding-DNA position 189, T replaced by G.
Protein change: p.Asn63Lys; replaces asparagine 63 with lysine.
Molecular consequence: missense variant. On other transcripts: non-coding transcript variant (3).
Genome position (GRCh38, 1-based): chrX:154,765,924, T>G. VCF-style: chrX-154765924-T-G. GRCh37 (hg19) VCF-style: chrX-153994199-T-G.
Other names: c.189T>G, p.Asn63Lys (NM_001142463.3, NM_001288747.2); short protein forms N63K.
Identifiers: ClinVar variation 1782258 (VCV001782258.3), dbSNP rs2523680394, ClinGen allele CA414889348.